The following is an entry in ClinVar:

NM_018230.3(NUP133):c.1194+1G>A

Gene: NUP133 (nucleoporin 133; minus strand). Cytogenetic location: 1q42.13.
Variant type: single nucleotide variant.
Coding change: c.1194+1G>A on transcript NM_018230.3 (MANE Select); the canonical splice donor site of the intron after coding-DNA position 1194, G replaced by A.
Molecular consequence: splice donor variant.
Genome position (GRCh38, 1-based): chr1:229,489,954, C>T on the plus strand (G>A on the coding strand, the complement: NUP133 is on the minus strand). VCF-style: chr1-229489954-C-T. GRCh37 (hg19) VCF-style: chr1-229625701-C-T.
Identifiers: ClinVar variation 2980727 (VCV002980727.3), dbSNP rs759167980, ClinGen allele CA38813454.

ClinVar aggregate classification (germline): Uncertain significance (1 of 4 stars; one submission).

Allele frequency attached by ClinVar (database versions not stated): gnomAD exomes below 0.00001; TOPMed below 0.00001; gnomAD 0.00001.
gnomAD v4.1: 6 of 1,581,322 alleles (0.00038%); highest among the groups gnomAD compares: Non-Finnish European, 0.00052%; no homozygotes.

Submission:

Labcorp Genetics (formerly Invitae), Labcorp
Classification: Uncertain significance. Last evaluated: 2024-01-31. Review status: criteria provided, single submitter. Criteria: Invitae Variant Classification Sherloc (09022015). Collection method: clinical testing. Allele origin: germline.
Comment: This sequence change affects a donor splice site in intron 9 of the NUP133 gene. It is expected to disrupt RNA splicing. Variants that disrupt the donor or acceptor splice site typically lead to a loss of protein function (PMID: 16199547), however the current clinical and genetic evidence is not sufficient to establish whether loss-of-function variants in NUP133 cause disease. This variant is not present in population databases (gnomAD no frequency). This variant has not been reported in the literature in individuals affected with NUP133-related conditions. Algorithms developed to predict the effect of sequence changes on RNA splicing suggest that this variant may disrupt the consensus splice site. In summary, the available evidence is currently insufficient to determine the role of this variant in disease. Therefore, it has been classified as a Variant of Uncertain Significance.

Literature cited by the submitters: PubMed 16199547.